The following is an entry in ClinVar:

NM_001127222.2(CACNA1A):c.4322A>T (p.His1441Leu)

Gene: CACNA1A (calcium voltage-gated channel subunit alpha1 A; minus strand). Cytogenetic location: 19p13.13.
Variant type: single nucleotide variant.
Coding change: c.4322A>T on transcript NM_001127222.2 (MANE Select); coding-DNA position 4322, A replaced by T.
Protein change: p.His1441Leu; replaces histidine 1441 with leucine.
Molecular consequence: missense variant.
Genome position (GRCh38, 1-based): chr19:13,259,630, T>A on the plus strand (A>T on the coding strand, the complement: CACNA1A is on the minus strand). VCF-style: chr19-13259630-T-A. GRCh37 (hg19) VCF-style: chr19-13370444-T-A.
Other names: c.4334A>T, p.His1445Leu (NM_000068.4, NM_023035.3); c.4325A>T, p.His1442Leu (NM_001127221.2, NM_001174080.2); short protein forms H1441L, H1442L, H1445L.
Identifiers: ClinVar variation 1486549 (VCV001486549.6), dbSNP rs2144758379, ClinGen allele CA404339338.
Genomic context (GRCh38, chr19:13,259,630, plus strand): 5'-CAGCCTTCTCCCGTGGACACGGTGAAGAGGGTCAGCAGAGCCCACAGCACATTGTCGTAA[T>A]GGAATTCATACTTCTTCCACTCCCGGTCTCGCGCCTTCACCTCATTCTTCTCGTAGAGGA-3'
Protein context (NP_001120694.1, residues 1431-1451): RDREWKKYEF[His1441Leu]YDNVLWALLT

ClinVar aggregate classification (germline): Uncertain significance (1 of 4 stars; one submission).

Conditions:
Developmental and epileptic encephalopathy, 42 (DEE42A). Also called: DEVELOPMENTAL AND EPILEPTIC ENCEPHALOPATHY 42A; EPILEPTIC ENCEPHALOPATHY, EARLY INFANTILE, 42A; Epileptic encephalopathy, early infantile, 42. Identifiers: MedGen C4310716, MONDO:0014917, OMIM 617106.
Episodic ataxia type 2 (EA2). Also called: ATAXIA, EPISODIC, WITH NYSTAGMUS; ATAXIA, FAMILIAL PAROXYSMAL; CEREBELLAR ATAXIA, PAROXYSMAL, ACETAZOLAMIDE-RESPONSIVE; CEREBELLOPATHY, HEREDITARY PAROXYSMAL; EPISODIC ATAXIA, NYSTAGMUS-ASSOCIATED; ACETAZOLAMIDE-RESPONSIVE HEREDITARY PAROXYSMAL CEREBELLAR ATAXIA. Identifiers: Orphanet 97, MedGen C1720416, MONDO:0007163, OMIM 108500.

Submission:

Labcorp Genetics (formerly Invitae), Labcorp
Classification: Uncertain significance for Developmental and epileptic encephalopathy, 42; Episodic ataxia type 2. Last evaluated: 2022-12-15. Review status: criteria provided, single submitter. Criteria: Invitae Variant Classification Sherloc (09022015). Collection method: clinical testing. Allele origin: germline.
Comment: This sequence change replaces histidine, which is basic and polar, with leucine, which is neutral and non-polar, at codon 1442 of the CACNA1A protein (p.His1442Leu). In summary, the available evidence is currently insufficient to determine the role of this variant in disease. Therefore, it has been classified as a Variant of Uncertain Significance. Advanced modeling of protein sequence and biophysical properties (such as structural, functional, and spatial information, amino acid conservation, physicochemical variation, residue mobility, and thermodynamic stability) performed at Invitae indicates that this missense variant is expected to disrupt CACNA1A protein function. ClinVar contains an entry for this variant (Variation ID: 1486549). This variant has not been reported in the literature in individuals affected with CACNA1A-related conditions. This variant is not present in population databases (gnomAD no frequency).